The following is an entry in ClinVar:

ClinVar aggregate classification (germline): Uncertain significance. Review status: criteria provided, multiple submitters, no conflicts (2 of 4 stars). 3 submissions from 3 submitters: Uncertain significance (3). Last evaluated 2024-03-06.

Conditions:
Familial cancer of breast. Also called: hereditary breast carcinoma; Hereditary breast cancer; BREAST CANCER, FAMILIAL. Identifiers: Orphanet 227535, MedGen C0346153, MONDO:0016419, OMIM 114480. Disease mechanism: loss of function.
Hereditary cancer-predisposing syndrome. Also called: Tumor predisposition; Hereditary neoplastic syndrome; Hereditary Cancer Syndrome; Neoplastic Syndromes, Hereditary. Identifiers: Orphanet 140162, MedGen C0027672, MeSH D009386, MONDO:0015356.

Submissions (3):

Color Diagnostics, LLC DBA Color Health
Classification: Uncertain significance for Hereditary cancer-predisposing syndrome. Last evaluated: 2024-03-06. Review status: criteria provided, single submitter. Criteria: ACMG Guidelines, 2015. Collection method: clinical testing. Allele origin: germline.
Comment: This missense variant replaces methionine with leucine at codon 1041 of the BRIP1 protein. Computational prediction suggests that this variant may not impact protein structure and function (internally defined REVEL score threshold <= 0.5, PMID: 27666373). To our knowledge, functional studies have not been reported for this variant. This variant has not been reported in individuals affected with hereditary cancer in the literature. This variant has not been identified in the general population by the Genome Aggregation Database (gnomAD). The available evidence is insufficient to determine the role of this variant in disease conclusively. Therefore, this variant is classified as a Variant of Uncertain Significance.

Baylor Genetics
Classification: Uncertain significance for Familial cancer of breast. Last evaluated: 2023-12-16. Review status: criteria provided, single submitter. Criteria: ACMG Guidelines, 2015. Collection method: clinical testing. Allele origin: unknown.

Ambry Genetics
Classification: Uncertain significance for Hereditary cancer-predisposing syndrome. Last evaluated: 2023-10-08. Review status: criteria provided, single submitter. Criteria: Ambry Variant Classification Scheme 2023. Collection method: clinical testing. Allele origin: germline.
Comment: The p.M1041L variant (also known as c.3121A>T), located in coding exon 19 of the BRIP1 gene, results from an A to T substitution at nucleotide position 3121. The methionine at codon 1041 is replaced by leucine, an amino acid with highly similar properties. This amino acid position is conserved. In addition, this alteration is predicted to be tolerated by in silico analysis. Since supporting evidence is limited at this time, the clinical significance of this alteration remains unclear.

NM_032043.3(BRIP1):c.3121A>T (p.Met1041Leu)

Gene: BRIP1 (BRCA1 interacting DNA helicase 1; minus strand). Cytogenetic location: 17q23.2.
Variant type: single nucleotide variant.
Coding change: c.3121A>T on transcript NM_032043.3 (MANE Select); coding-DNA position 3121, A replaced by T.
Protein change: p.Met1041Leu; replaces methionine 1041 with leucine.
Molecular consequence: missense variant.
Genome position (GRCh38, 1-based): chr17:61,683,925, T>A on the plus strand (A>T on the coding strand, the complement: BRIP1 is on the minus strand). VCF-style: chr17-61683925-T-A. GRCh37 (hg19) VCF-style: chr17-59761286-T-A.
Other names: short protein forms M1041L.
Identifiers: ClinVar variation 1171740 (VCV001171740.5), dbSNP rs1555572831, ClinGen allele CA400479663.